The following is an entry in ClinVar:

NM_000642.3(AGL):c.3883C>G (p.Arg1295Gly)

Gene: AGL (amylo-alpha-1,6-glucosidase and 4-alpha-glucanotransferase; plus strand). Cytogenetic location: 1p21.2.
Variant type: single nucleotide variant.
Coding change: c.3883C>G on transcript NM_000642.3 (MANE Select); coding-DNA position 3883, C replaced by G.
Protein change: p.Arg1295Gly; replaces arginine 1295 with glycine.
Molecular consequence: missense variant.
Genome position (GRCh38, 1-based): chr1:99,912,451, C>G. VCF-style: chr1-99912451-C-G. GRCh37 (hg19) VCF-style: chr1-100378007-C-G.
Other names: c.3883C>G, p.Arg1295Gly (NM_000644.3, NM_001425325.1, NM_000028.3 and 1 more transcripts); c.3835C>G, p.Arg1279Gly (NM_000646.3); c.3862C>G, p.Arg1288Gly (NM_001425326.1); c.3682C>G, p.Arg1228Gly (NM_001425327.1); c.3679C>G, p.Arg1227Gly (NM_001425328.1); c.3544C>G, p.Arg1182Gly (NM_001425329.1); c.3505C>G, p.Arg1169Gly (NM_001425332.1); short protein forms R1279G, R1295G, R1169G, R1182G, R1227G, R1228G, R1288G.
Identifiers: ClinVar variation 642126 (VCV000642126.3), dbSNP rs1238498134, ClinGen allele CA341338816.

ClinVar aggregate classification (germline): Uncertain significance (1 of 4 stars; one submission).

Conditions:
Glycogen storage disease type III (GSD3). Also called: FORBES DISEASE; Cori disease. Identifiers: Orphanet 366, MedGen C0017922, MONDO:0009291, OMIM 232400.

Submission:

Labcorp Genetics (formerly Invitae), Labcorp
Classification: Uncertain significance for Glycogen storage disease type III. Last evaluated: 2021-09-01. Review status: criteria provided, single submitter. Criteria: Invitae Variant Classification Sherloc (09022015). Collection method: clinical testing. Allele origin: germline.
Comment: This sequence change replaces arginine with glycine at codon 1295 of the AGL protein (p.Arg1295Gly). The arginine residue is highly conserved and there is a moderate physicochemical difference between arginine and glycine. This variant is not present in population databases (ExAC no frequency). This variant has not been reported in the literature in individuals affected with AGL-related conditions. Algorithms developed to predict the effect of missense changes on protein structure and function are either unavailable or do not agree on the potential impact of this missense change (SIFT: "Deleterious"; PolyPhen-2: "Benign"; Align-GVGD: "Class C45"). In summary, the available evidence is currently insufficient to determine the role of this variant in disease. Therefore, it has been classified as a Variant of Uncertain Significance.